The following is an entry in ClinVar:

NM_015665.6(AAAS):c.1066_1067del (p.Leu356fs)

Gene: AAAS (aladin WD repeat nucleoporin; minus strand). Cytogenetic location: 12q13.13.
Variant type: Deletion.
Coding change: c.1066_1067del on transcript NM_015665.6 (MANE Select); coding-DNA positions 1066 to 1067, 2 bases deleted (CT; older notation c.1066_1067delCT).
Protein change: p.Leu356fs; shifts the reading frame from leucine 356.
Molecular consequence: frameshift variant.
Genome position (GRCh38, 1-based): chr12:53,308,745-53,308,746, AG deleted on the plus strand (CT on the coding strand, the reverse complement: AAAS is on the minus strand). VCF-style (leftmost placement, unchanged base first): chr12-53308744-CAG-C. GRCh37 (hg19) VCF-style: chr12-53702528-CAG-C.
Other names: p.Leu356Valfs*8; c.1066_1067delCT (NM_015665.5); c.967_968del, p.Leu323fs (NM_001173466.2); short protein forms L356fs, L323fs.
Identifiers: ClinVar variation 264992 (VCV000264992.51), dbSNP rs763216820, ClinGen allele CA6599003.

ClinVar aggregate classification (germline): Pathogenic. Review status: criteria provided, multiple submitters, no conflicts (2 of 4 stars). 7 submissions from 7 submitters: Pathogenic (6). 1 of the submissions does not count toward it. Last evaluated 2026-07-28.

Conditions:
AAAS-related disorder. Also called: AAAS-related condition.
Glucocorticoid deficiency with achalasia (AAAS). Also called: Achalasia-addisonianism-alacrimia syndrome; AAA syndrome; Allgrove syndrome; Addisonian achalasia syndrome; ALACRIMA-ACHALASIA-ADRENAL INSUFFICIENCY NEUROLOGIC DISORDER; Alacrima-achalasia-addisonianism. Identifiers: Orphanet 869, MedGen C0271742, MONDO:0009279, OMIM 231550.

Allele frequency attached by ClinVar (database versions not stated): ExAC 0.00002; gnomAD exomes 0.00003 and 0.00004; gnomAD 0.00005 and 0.00006; TOPMed 0.00005.

Submissions (7):

Genetics Research Center, University of Social Welfare and Rehabilitation Sciences
Classification: Pathogenic for Glucocorticoid deficiency with achalasia. Last evaluated: 2026-07-28. Review status: criteria provided, single submitter. Criteria: ACMG Guidelines, 2015. Collection method: clinical testing. Allele origin: germline. Inheritance: Autosomal recessive inheritance. Affected: yes. Observed: 1 variant allele, 1 compound heterozygote.
Comment: The variant causes a frameshift change involving a highly conserved nucleotide (PhyloP100: 8.30). The variant allele is very rare with a cumulative frequency of 0.0000446 in the gnomAD database with no homozygotes observed. The variant is predicted to lead to nonsense-mediated mRNA decay (NMD). Variant has been reported in ClinVar as Pathogenic/Likely Pathogenic. Overall, it meets PVS1, PM2, PP1, and PP5 ACMG criteria.

Labcorp Genetics (formerly Invitae), Labcorp
Classification: Pathogenic. Last evaluated: 2025-11-11. Review status: criteria provided, single submitter. Criteria: Invitae Variant Classification Sherloc (09022015). Collection method: clinical testing. Allele origin: germline.
Comment: This sequence change creates a premature translational stop signal (p.Leu356Valfs*8) in the AAAS gene. It is expected to result in an absent or disrupted protein product. Loss-of-function variants in AAAS are known to be pathogenic (PMID: 11159947). This variant is present in population databases (rs763216820, gnomAD 0.005%). This premature translational stop signal has been observed in individual(s) with achalasia-addisonianism-alacrimia syndrome (PMID: 12429595, 29255950, 32185032). ClinVar contains an entry for this variant (Variation ID: 264992). For these reasons, this variant has been classified as Pathogenic.

Variantyx, Inc.
Classification: Pathogenic for Glucocorticoid deficiency with achalasia. Last evaluated: 2025-08-11. Review status: criteria provided, single submitter. Criteria: Variantyx Assertion Criteria 2022. Collection method: clinical testing. Allele origin: germline. Inheritance: Autosomal recessive inheritance. Affected: yes.
Comment: This is a frameshift variant in the AAAS gene (OMIM: 605378). Pathogenic variants in this gene have been associated with autosomal recessive achalasia-addisonianism-alacrimia syndrome. This variant introduces a premature termination codon in exon 11 out of 16 and is expected to result in loss of function, which is a known disease mechanism for AAAS in this disorder (PMID: 11159947) (PVS1). This variant has been identified in the homozygous or compound heterozygous state in at least two individuals reported in the published literature (PMID: 12429595, 32185032) (PM3). It has a 0.0059% maximum allele frequency in non-founder control populations (PM2). Based on the current evidence, this variant is classified as pathogenic for autosomal recessive achalasia-addisonianism-alacrimia syndrome.

Mayo Clinic Laboratories, Mayo Clinic
Classification: Pathogenic. Last evaluated: 2025-03-31. Review status: criteria provided, single submitter. Criteria: ACMG Guidelines, 2015. Collection method: clinical testing. Allele origin: germline. Observed: 2 variant alleles.
Comment: PP4, PM2_moderate, PS4_moderate, PVS1

GeneDx
Classification: Pathogenic. Last evaluated: 2023-12-05. Review status: criteria provided, single submitter. Criteria: GeneDx Variant Classification Process June 2021. Collection method: clinical testing. Allele origin: germline. Affected: yes.
Comment: Frameshift variant predicted to result in protein truncation or nonsense mediated decay in a gene for which loss-of-function is a known mechanism of disease; This variant is associated with the following publications: (PMID: 15666842, 32938577, 12429595, 32185032, 31589614, 29255950)

CeGaT Center for Human Genetics Tuebingen
Classification: Pathogenic. Last evaluated: 2023-11-01. Review status: criteria provided, single submitter. Criteria: CeGaT Center For Human Genetics Tuebingen Variant Classification Criteria Version 2. Collection method: clinical testing. Allele origin: germline. Affected: yes. Observed: 3 variant alleles.
Comment: AAAS: PVS1, PM2, PM3

PreventionGenetics, part of Exact Sciences
Classification: Pathogenic for AAAS-related condition. Last evaluated: 2024-09-07. Review status: no assertion criteria provided. Collection method: clinical testing. Allele origin: germline. Not counted in ClinVar's aggregate classification.
Comment: The AAAS c.1066_1067delCT variant is predicted to result in a frameshift and premature protein termination (p.Leu356Valfs*8). This variant has been reported in the homozygous state in an individual with triple-A syndrome (Kurnaz et al. 2017. PubMed ID: 29255950). This variant is reported in 0.0054% of alleles in individuals of European (non-Finnish) descent in gnomAD. This variant is interpreted as pathogenic in ClinVar. Frameshift variants in AAAS are expected to be pathogenic. This variant is interpreted as pathogenic.

Literature cited by the submitters: PubMed 11159947 (cited by Labcorp Genetics (formerly Invitae), Labcorp and Variantyx, Inc.); PubMed 12429595 (cited by 3 submitters); PubMed 29255950 (cited by Labcorp Genetics (formerly Invitae), Labcorp and Mayo Clinic Laboratories, Mayo Clinic); PubMed 32185032 (cited by 3 submitters); PubMed 31589614 (cited by Mayo Clinic Laboratories, Mayo Clinic); PubMed 32938577 (cited by Mayo Clinic Laboratories, Mayo Clinic); PubMed 36194344 (cited by Mayo Clinic Laboratories, Mayo Clinic).